The following is an entry in ClinVar:

ClinVar aggregate classification (germline): Uncertain significance. Review status: criteria provided, multiple submitters, no conflicts (2 of 4 stars). 2 submissions from 2 submitters: Uncertain significance (2). Last evaluated 2023-08-15.

Conditions:
POLD1-related polyposis and colorectal cancer syndrome (CRCS10). Also called: Colorectal cancer 10; COLORECTAL CANCER, SUSCEPTIBILITY TO, ON CHROMOSOME 19q; Colorectal cancer, susceptibility to, 10. Identifiers: Orphanet 220460, MedGen C2675481, MONDO:0012953, OMIM 612591.
Hereditary cancer-predisposing syndrome. Also called: Neoplastic Syndromes, Hereditary; Tumor predisposition; Hereditary Cancer Syndrome; Hereditary neoplastic syndrome. Identifiers: Orphanet 140162, MedGen C0027672, MeSH D009386, MONDO:0015356.

Allele frequency attached by ClinVar (database versions not stated): gnomAD exomes below 0.00001.
gnomAD v4.1: 4 of 1,613,862 alleles (0.00025%); highest among the groups gnomAD compares: Non-Finnish European, 0.00034%; no homozygotes.

Submissions (2):

Ambry Genetics
Classification: Uncertain significance for Hereditary cancer-predisposing syndrome. Last evaluated: 2023-08-15. Review status: criteria provided, single submitter. Criteria: Ambry Variant Classification Scheme 2023. Collection method: clinical testing. Allele origin: germline.

Labcorp Genetics (formerly Invitae), Labcorp
Classification: Uncertain significance for POLD1-related polyposis and colorectal cancer syndrome. Last evaluated: 2021-11-30. Review status: criteria provided, single submitter. Criteria: Invitae Variant Classification Sherloc (09022015). Collection method: clinical testing. Allele origin: germline.
Comment: This sequence change replaces phenylalanine, which is neutral and non-polar, with leucine, which is neutral and non-polar, at codon 96 of the POLD1 protein (p.Phe96Leu). This variant is not present in population databases (gnomAD no frequency). This variant has not been reported in the literature in individuals affected with POLD1-related conditions. Algorithms developed to predict the effect of missense changes on protein structure and function are either unavailable or do not agree on the potential impact of this missense change (SIFT: "Tolerated"; PolyPhen-2: "Probably Damaging"; Align-GVGD: "Class C0"). In summary, the available evidence is currently insufficient to determine the role of this variant in disease. Therefore, it has been classified as a Variant of Uncertain Significance.

NM_002691.4(POLD1):c.288C>A (p.Phe96Leu)

Gene: POLD1 (DNA polymerase delta 1, catalytic subunit; plus strand). Cytogenetic location: 19q13.33.
Variant type: single nucleotide variant.
Coding change: c.288C>A on transcript NM_002691.4 (MANE Select); coding-DNA position 288, C replaced by A.
Protein change: p.Phe96Leu; replaces phenylalanine 96 with leucine.
Molecular consequence: missense variant. On other transcripts: non-coding transcript variant (1).
Genome position (GRCh38, 1-based): chr19:50,399,456, C>A. VCF-style: chr19-50399456-C-A. GRCh37 (hg19) VCF-style: chr19-50902713-C-A.
Other names: c.288C>A, p.Phe96Leu (NM_001308632.1, NM_001256849.1); c.288C>A (NM_002691.2); short protein forms F96L.
Identifiers: ClinVar variation 1491933 (VCV001491933.7), dbSNP rs540110228, ClinGen allele CA406970595.